The following is an entry in ClinVar:

ClinVar aggregate classification (germline): Benign (1 of 4 stars; one submission).

Conditions:
Ornithine aminotransferase deficiency (GACR). Also called: HYPERORNITHINEMIA WITH GYRATE ATROPHY OF CHOROID AND RETINA; OAT DEFICIENCY; OKT DEFICIENCY; Ornithine ketoacid aminotransferase deficiency; Gyrate atrophy; Gyrate atrophy of choroid and retina. Identifiers: Orphanet 414, MedGen C0018425, MONDO:0009796, OMIM 258870.

Allele frequency attached by ClinVar (database versions not stated): 1000 Genomes Project 0.00639; 1000 Genomes Project 30x 0.00750; TOPMed 0.01294; gnomAD 0.01418 and 0.01420.

Submission:

Illumina Laboratory Services, Illumina
Classification: Benign for Ornithine aminotransferase deficiency. Last evaluated: 2018-01-12. Review status: criteria provided, single submitter. Criteria: ICSL Variant Classification Criteria 13 December 2019. Collection method: clinical testing. Allele origin: germline.
Comment: This variant was observed in the ICSL laboratory as part of a predisposition screen in an ostensibly healthy population. It had not been previously curated by ICSL or reported in the Human Gene Mutation Database (HGMD: prior to June 1st, 2018), and was therefore a candidate for classification through an automated scoring system. Utilizing variant allele frequency, disease prevalence and penetrance estimates, and inheritance mode, an automated score was calculated to assess if this variant is too frequent to cause the disease. Based on the score and internal cut-off values, a variant classified as benign is not then subjected to further curation. The score for this variant resulted in a classification of benign for this disease.

NM_000274.4(OAT):c.-53C>T

Gene: OAT (ornithine aminotransferase; minus strand). Cytogenetic location: 10q26.13.
Variant type: single nucleotide variant.
Coding change: c.-53C>T on transcript NM_000274.4 (MANE Select); 53 bases upstream of the start codon, C replaced by T.
Molecular consequence: 5 prime UTR variant.
Genome position (GRCh38, 1-based): chr10:124,418,896, G>A on the plus strand (C>T on the coding strand, the complement: OAT is on the minus strand). VCF-style: chr10-124418896-G-A. GRCh37 (hg19) VCF-style: chr10-126107465-G-A.
Other names: c.-239C>T (NM_001171814.2); c.-48C>T (NM_001322965.2); c.-368C>T (NM_001322966.2); c.-173C>T (NM_001322967.2); c.-260C>T (NM_001322968.2); c.-140C>T (NM_001322969.2); c.-356C>T (NM_001322970.2); c.-53C>T (NM_001322971.2); and 1 more.
Identifiers: ClinVar variation 299179 (VCV000299179.5), dbSNP rs117824913, ClinGen allele CA10635189.
Genomic context (GRCh38, chr10:124,418,896, plus strand): 5'-GAACCAGAGCCCCAGGACAGCGGCGCCCAGACGGTACCTGACAGCGCCTGAGGACAACCG[G>A]GTACACGCGGCGTCTATGAAGCGCAACAGTGACGCCGGAGAGTCACTGCAACTTAAAGGC-3'